The following is an entry in ClinVar:

NM_001267550.2(TTN):c.60952G>C (p.Val20318Leu)

Genes: TTN-AS1 (TTN antisense RNA 1; plus strand), TTN (titin; minus strand). Cytogenetic location: 2q31.2.
Variant type: single nucleotide variant.
Coding change: c.60952G>C on transcript NM_001267550.2 (MANE Select); coding-DNA position 60952, G replaced by C.
Protein change: p.Val20318Leu; replaces valine 20318 with leucine.
Molecular consequence: missense variant.
Genome position (GRCh38, 1-based): chr2:178,590,773, C>G on the plus strand (G>C on the coding strand, the complement: TTN is on the minus strand). VCF-style: chr2-178590773-C-G. GRCh37 (hg19) VCF-style: chr2-179455500-C-G.
Other names: c.56029G>C, p.Val18677Leu (NM_001256850.1); c.33757G>C, p.Val11253Leu (NM_003319.4); c.53248G>C, p.Val17750Leu (NM_133378.4); c.34132G>C, p.Val11378Leu (NM_133432.3); c.34333G>C, p.Val11445Leu (NM_133437.4); short protein forms V11378L, V17750L, V11445L, V11253L, V18677L, V20318L.
Identifiers: ClinVar variation 2924089 (VCV002924089.3), dbSNP rs373150402, ClinGen allele CA1992422.
Genomic context (GRCh38, chr2:178,590,773, plus strand): 5'-CTTCATAGAGTCCAGTCACTCTGAACTTCAGGTCAGCGATAGGTGTTTTGTTGACCCTCA[C>G]CCATTTGCCAGTTACTTCTCGACGTTCCATATAGTAGCCAGTTATTGGACTGCCACCATC-3'
Protein context (NP_001254479.2, residues 20308-20328): MERREVTGKW[Val20318Leu]RVNKTPIADL

ClinVar aggregate classification (germline): Uncertain significance (1 of 4 stars; one submission).

Conditions:
Dilated cardiomyopathy 1G (CMD1G). Identifiers: Orphanet 154, MedGen C1858763, MONDO:0011400, OMIM 604145.
Autosomal recessive limb-girdle muscular dystrophy type 2J (LGMDR10). Also called: Limb-girdle muscular dystrophy, type 2J; MUSCULAR DYSTROPHY, LIMB-GIRDLE, AUTOSOMAL RECESSIVE 10. Identifiers: Orphanet 140922, MedGen C1837342, MONDO:0012127, OMIM 608807.

Allele frequency attached by ClinVar (database versions not stated): TOPMed below 0.00001.

Submission:

Labcorp Genetics (formerly Invitae), Labcorp
Classification: Uncertain significance for Dilated cardiomyopathy 1G; Autosomal recessive limb-girdle muscular dystrophy type 2J. Last evaluated: 2023-09-15. Review status: criteria provided, single submitter. Criteria: Invitae Variant Classification Sherloc (09022015). Collection method: clinical testing. Allele origin: germline.
Comment: This sequence change replaces valine, which is neutral and non-polar, with leucine, which is neutral and non-polar, at codon 20318 of the TTN protein (p.Val20318Leu). This variant is present in population databases (rs373150402, gnomAD 0.006%). This variant has not been reported in the literature in individuals affected with TTN-related conditions. Experimental studies and prediction algorithms are not available or were not evaluated, and the functional significance of this variant is currently unknown. In summary, the available evidence is currently insufficient to determine the role of this variant in disease. Therefore, it has been classified as a Variant of Uncertain Significance.